The following is an entry in ClinVar:

NM_000497.4(CYP11B1):c.1200+1G>A

Genes: CYP11B1 (cytochrome P450 family 11 subfamily B member 1; minus strand), LOC106799833 (CYP11B1 recombination region; plus strand). Cytogenetic location: 8q24.3.
Variant type: single nucleotide variant.
Coding change: c.1200+1G>A on transcript NM_000497.4 (MANE Select); the canonical splice donor site of the intron after coding-DNA position 1200, G replaced by A.
Molecular consequence: splice donor variant.
Genome position (GRCh38, 1-based): chr8:142,875,233, C>T on the plus strand (G>A on the coding strand, the complement: CYP11B1 is on the minus strand). VCF-style: chr8-142875233-C-T. GRCh37 (hg19) VCF-style: chr8-143956649-C-T.
Other names: c.1200+1G>A (NM_001026213.1).
Identifiers: ClinVar variation 1071893 (VCV001071893.10), dbSNP rs778735553, ClinGen allele CA4905081.
Genomic context (GRCh38, chr8:142,875,233, plus strand): 5'-GGGGATCAGGGAATGACTGGGGAGGGAGGTTCTCAGCTCGAGGGGTGTGGGGCTCACTCA[C>T]CCCAGCTGGGATGTGGTAGTTCTGAAGCACCAAGTCTGAGCTCGCCACTCGCTCCAGAAA-3'

ClinVar aggregate classification (germline): Pathogenic. Review status: criteria provided, multiple submitters, no conflicts (2 of 4 stars). 2 submissions from 2 submitters: Pathogenic (2). Last evaluated 2025-10-31.

Conditions:
Deficiency of steroid 11-beta-monooxygenase (CYP11B1). Also called: ADRENAL HYPERPLASIA, CONGENITAL, DUE TO STEROID 11-BETA-HYDROXYLASE DEFICIENCY; 11-BETA-HYDROXYLASE DEFICIENCY; Congenital adrenal hyperplasia due to 11-beta-hydroxylase deficiency; ADRENAL HYPERPLASIA IV; P450C11B1 DEFICIENCY; STEROID 11-BETA-HYDROXYLASE DEFICIENCY. Identifiers: Orphanet 90795, MedGen C0268292, MONDO:0008729, OMIM 202010. Disease mechanism: loss of function.

Allele frequency attached by ClinVar (database versions not stated): gnomAD exomes below 0.00001; ExAC 0.00001.
gnomAD v4.1: 4 of 1,614,072 alleles (0.00025%); highest among the groups gnomAD compares: Admixed American, 0.0017%; no homozygotes.

Submissions (2):

Myriad Genetics, Inc.
Classification: Pathogenic for Deficiency of steroid 11-beta-monooxygenase. Last evaluated: 2025-10-31. Review status: criteria provided, single submitter. Criteria: Myriad Autosomal Dominant, Autosomal Recessive and X-Linked Classification Criteria (2023). Collection method: clinical testing. Allele origin: unknown.
Comment: NM_000497.3(CYP11B1):c.1200+1G>A is a variant in a canonical splice site classified as pathogenic in the context of congenital adrenal hyperplasia, CYP11B1-related. c.1200+1G>A has been observed in cases with relevant disease (PMID: 27316665, 26476331, 24621779, 26956189). Relevant functional assessments of this variant are available in the literature (PMID: 27316665, 26476331). c.1200+1G>A has been observed in referenced population frequency databases. In summary, NM_000497.3(CYP11B1):c.1200+1G>A is a variant in a canonical splice site in a gene where loss of function is a known mechanism of disease, is predicted to disrupt protein function, and has been observed more frequently in cases with the relevant disease than in healthy populations. Please note: this variant was assessed in the context of healthy population screening.

Labcorp Genetics (formerly Invitae), Labcorp
Classification: Pathogenic. Last evaluated: 2023-10-11. Review status: criteria provided, single submitter. Criteria: Invitae Variant Classification Sherloc (09022015). Collection method: clinical testing. Allele origin: germline.
Comment: This sequence change affects a donor splice site in intron 7 of the CYP11B1 gene. It is expected to disrupt RNA splicing. Variants that disrupt the donor or acceptor splice site typically lead to a loss of protein function (PMID: 16199547), and loss-of-function variants in CYP11B1 are known to be pathogenic (PMID: 8506298, 26476331). This variant is present in population databases (rs778735553, gnomAD 0.003%). Disruption of this splice site has been observed in individual(s) with adrenal hyperplasia (PMID: 24621779, 27316665). In at least one individual the data is consistent with being in trans (on the opposite chromosome) from a pathogenic variant. It has also been observed to segregate with disease in related individuals. ClinVar contains an entry for this variant (Variation ID: 1071893). Algorithms developed to predict the effect of sequence changes on RNA splicing suggest that this variant may disrupt the consensus splice site. For these reasons, this variant has been classified as Pathogenic.

Literature cited by the submitters: PubMed 24621779 (cited by Myriad Genetics, Inc. and Labcorp Genetics (formerly Invitae), Labcorp); PubMed 26476331 (cited by Myriad Genetics, Inc. and Labcorp Genetics (formerly Invitae), Labcorp); PubMed 26956189 (cited by Myriad Genetics, Inc.); PubMed 27316665 (cited by Myriad Genetics, Inc. and Labcorp Genetics (formerly Invitae), Labcorp); PubMed 16199547 (cited by Labcorp Genetics (formerly Invitae), Labcorp); PubMed 8506298 (cited by Labcorp Genetics (formerly Invitae), Labcorp).